The following is an entry in ClinVar:

NM_001999.4(FBN2):c.1643A>C (p.Asp548Ala)

Gene: FBN2 (fibrillin 2; minus strand). Cytogenetic location: 5q23.3.
Variant type: single nucleotide variant.
Coding change: c.1643A>C on transcript NM_001999.4 (MANE Select); coding-DNA position 1643, A replaced by C.
Protein change: p.Asp548Ala; replaces aspartic acid 548 with alanine.
Molecular consequence: missense variant.
Genome position (GRCh38, 1-based): chr5:128,378,851, T>G on the plus strand (A>C on the coding strand, the complement: FBN2 is on the minus strand). VCF-style: chr5-128378851-T-G. GRCh37 (hg19) VCF-style: chr5-127714544-T-G.
Other names: short protein forms D548A.
Identifiers: ClinVar variation 1345012 (VCV001345012.8), dbSNP rs757406333, ClinGen allele CA3395749.
Genomic context (GRCh38, chr5:128,378,851, plus strand): 5'-GGAGTCCTCTGGAATCCAGCATGACATTTACAATAATAGGAACCAGGTGTGTTAACACAA[T>G]CTCCATTAGTGCAGGGATTTGATGTGCATTCATCAACATCTGTGAGCAGCAAAAGAAACC-3'
Protein context (NP_001990.2, residues 538-558): ECTSNPCTNG[Asp548Ala]CVNTPGSYYC

ClinVar aggregate classification (germline): Conflicting classifications of pathogenicity. Review status: criteria provided, conflicting classifications (1 of 4 stars). 4 submissions from 4 submitters: Uncertain significance (3); Likely benign (1). Last evaluated 2026-08-03.

Conditions:
Familial thoracic aortic aneurysm and aortic dissection (TAAD). Also called: Thoracic aortic aneurysms and dissections. Identifiers: Orphanet 91387, MedGen C4707243, MONDO:0019625.
Congenital contractural arachnodactyly (CCA). Also called: Beals-Hecht syndrome; BEALS SYNDROME; Arthrogryposis, distal, type 9. Identifiers: Orphanet 115, MedGen C0220668, MONDO:0007363, OMIM 121050.

Allele frequency attached by ClinVar (database versions not stated): gnomAD 0.00004 and 0.00007; ExAC 0.00007; gnomAD exomes 0.00006; TOPMed 0.00004.
gnomAD v4.1: 81 of 1,613,174 alleles (0.005%); highest among the groups gnomAD compares: East Asian, 0.15%; no homozygotes.

Submissions (4):

GeneDx
Classification: Uncertain significance. Last evaluated: 2026-08-03. Review status: criteria provided, single submitter. Criteria: GeneDx Variant Classification Process June 2021. Collection method: clinical testing. Allele origin: germline.
Comment: Reported in a Chinese family with congenital contractural arachnodactyly; however, a different missense variant in the FBN2 gene (p.C1393G) was found to segregate with disease across five generations and was reported by the authors as responsible for the disease phenotype (PMID: 30147916); Identified in a patient with pre-axial polydactyly (PMID: 34194672); In silico analysis supports that this missense variant has a deleterious effect on protein structure/function; This variant is associated with the following publications: (PMID: 30147916, 16835936, 34194672, 34422331, 18767143, 19006240, 38880274)

Ambry Genetics
Classification: Uncertain significance for Familial thoracic aortic aneurysm and aortic dissection. Last evaluated: 2025-04-16. Review status: criteria provided, single submitter. Criteria: Ambry Variant Classification Scheme 2023. Collection method: clinical testing. Allele origin: germline.
Comment: The p.D548A variant (also known as c.1643A>C), located in coding exon 12 of the FBN2 gene, results from an A to C substitution at nucleotide position 1643. The aspartic acid at codon 548 is replaced by alanine, an amino acid with dissimilar properties. This variant has been reported in a family with congenital contractural arachnodactyly who also had a second FBN2 alteration (Zhou S et al. Clin Case Rep, 2018 Aug;6:1612-1617). This variant has also been reported in a cohorts of subjects with Marfan-like features, tic disorders, and thoracic aortic aneurysm and dissection (TAAD) (Sakai H et al. Am J Med Genet A, 2006 Aug;140:1719-25; Chen ZR et al. J Thorac Dis, 2021 Jul;13:4008-4022; Lu Q et al. Clin Chim Acta, 2024 Jul;561:119759). This amino acid position is well conserved in available vertebrate species. In addition, the in silico prediction for this alteration is inconclusive. Based on the available evidence, the clinical significance of this variant remains unclear.

Labcorp Genetics (formerly Invitae), Labcorp
Classification: Likely benign for Congenital contractural arachnodactyly. Last evaluated: 2024-09-06. Review status: criteria provided, single submitter. Criteria: Invitae Variant Classification Sherloc (09022015). Collection method: clinical testing. Allele origin: germline.

Breakthrough Genomics
Classification: Uncertain significance. Review status: criteria provided, single submitter. Criteria: ACMG Guidelines, 2015. Collection method: not provided. Allele origin: germline. Inheritance: Autosomal dominant inheritance. Affected: yes.

Literature cited by the submitters: PubMed 16835936 (cited by Ambry Genetics); PubMed 30147916 (cited by Ambry Genetics); PubMed 34194672 (cited by Ambry Genetics); PubMed 34422331 (cited by Ambry Genetics); PubMed 38880274 (cited by Ambry Genetics).